The following is an entry in ClinVar:

ClinVar aggregate classification (germline): Uncertain significance (1 of 4 stars; one submission).

Submission:

Labcorp Genetics (formerly Invitae), Labcorp
Classification: Uncertain significance. Last evaluated: 2021-11-01. Review status: criteria provided, single submitter. Criteria: Invitae Variant Classification Sherloc (09022015). Collection method: clinical testing. Allele origin: germline.
Comment: This sequence change replaces methionine, which is neutral and non-polar, with leucine, which is neutral and non-polar, at codon 523 of the POLR3A protein (p.Met523Leu). This variant is not present in population databases (gnomAD no frequency). This variant has not been reported in the literature in individuals affected with POLR3A-related conditions. Algorithms developed to predict the effect of missense changes on protein structure and function are either unavailable or do not agree on the potential impact of this missense change (SIFT: "Deleterious"; PolyPhen-2: "Benign"; Align-GVGD: "Class C0"). In summary, the available evidence is currently insufficient to determine the role of this variant in disease. Therefore, it has been classified as a Variant of Uncertain Significance.

NM_007055.4(POLR3A):c.1567A>C (p.Met523Leu)

Gene: POLR3A (RNA polymerase III subunit A; minus strand). Cytogenetic location: 10q22.3.
Variant type: single nucleotide variant.
Coding change: c.1567A>C on transcript NM_007055.4 (MANE Select); coding-DNA position 1567, A replaced by C.
Protein change: p.Met523Leu; replaces methionine 523 with leucine.
Molecular consequence: missense variant.
Genome position (GRCh38, 1-based): chr10:78,013,655, T>G on the plus strand (A>C on the coding strand, the complement: POLR3A is on the minus strand). VCF-style: chr10-78013655-T-G. GRCh37 (hg19) VCF-style: chr10-79773413-T-G.
Other names: short protein forms M523L.
Identifiers: ClinVar variation 1423911 (VCV001423911.6), dbSNP rs2131952488, ClinGen allele CA377341754.